The following is an entry in ClinVar:

ClinVar aggregate classification (germline): Uncertain significance (1 of 4 stars; one submission).

Conditions:
Combined oxidative phosphorylation defect type 17. Also called: Combined oxidative phosphorylation deficiency 17. Identifiers: Orphanet 369913, MedGen C3809526, MONDO:0014190, OMIM 615440.

Allele frequency attached by ClinVar (database versions not stated): gnomAD below 0.00001 and 0.00002; gnomAD exomes 0.00001; ExAC 0.00002.
gnomAD v4.1: 18 of 1,613,954 alleles (0.0011%); highest among the groups gnomAD compares: South Asian, 0.02%; no homozygotes.

Submission:

Labcorp Genetics (formerly Invitae), Labcorp
Classification: Uncertain significance for Combined oxidative phosphorylation defect type 17. Last evaluated: 2021-09-01. Review status: criteria provided, single submitter. Criteria: Invitae Variant Classification Sherloc (09022015). Collection method: clinical testing. Allele origin: germline.
Comment: This sequence change replaces lysine with glutamic acid at codon 129 of the ELAC2 protein (p.Lys129Glu). The lysine residue is moderately conserved and there is a small physicochemical difference between lysine and glutamic acid. This variant is present in population databases (rs776742204, ExAC 0.01%). This variant has not been reported in the literature in individuals affected with ELAC2-related conditions. Algorithms developed to predict the effect of missense changes on protein structure and function are either unavailable or do not agree on the potential impact of this missense change (SIFT: "Tolerated"; PolyPhen-2: "Possibly Damaging"; Align-GVGD: "Class C0"). Algorithms developed to predict the effect of sequence changes on RNA splicing suggest that this variant may create or strengthen a splice site. In summary, the available evidence is currently insufficient to determine the role of this variant in disease. Therefore, it has been classified as a Variant of Uncertain Significance.

NM_018127.7(ELAC2):c.385A>G (p.Lys129Glu)

Gene: ELAC2 (elaC ribonuclease Z 2; minus strand). Cytogenetic location: 17p12.
Variant type: single nucleotide variant.
Coding change: c.385A>G on transcript NM_018127.7 (MANE Select); coding-DNA position 385, A replaced by G.
Protein change: p.Lys129Glu; replaces lysine 129 with glutamic acid.
Molecular consequence: missense variant.
Genome position (GRCh38, 1-based): chr17:13,015,815, T>C on the plus strand (A>G on the coding strand, the complement: ELAC2 is on the minus strand). VCF-style: chr17-13015815-T-C. GRCh37 (hg19) VCF-style: chr17-12919132-T-C.
Other names: c.385A>G, p.Lys129Glu (NM_001165962.2, NM_173717.2); short protein forms K129E.
Identifiers: ClinVar variation 579515 (VCV000579515.3), dbSNP rs776742204, ClinGen allele CA8401685.